The following continues an entry in ClinVar:

NM_004004.6(GJB2):c.235del (p.Leu79fs)

Gene: GJB2. ClinVar aggregate classification (germline): Pathogenic. Pathogenic (1).

Submissions 7 to 21 of 47:

Medical and Scientific Branch, Hong Kong Genome Institute
Classification: Pathogenic for Autosomal recessive nonsyndromic hearing loss 1A. Last evaluated: 2026-01-26. Review status: criteria provided, single submitter. Criteria: ACMG Guidelines, 2015. Collection method: clinical testing. Allele origin: maternal. Affected: yes. Not counted in ClinVar's aggregate classification.

Variantyx, Inc.
Classification: Pathogenic for Autosomal recessive nonsyndromic hearing loss 1A. Last evaluated: 2026-01-20. Review status: criteria provided, single submitter. Criteria: Variantyx Assertion Criteria 2022. Collection method: clinical testing. Allele origin: germline. Inheritance: Autosomal recessive inheritance. Affected: yes. Not counted in ClinVar's aggregate classification.
Comment: This is a frameshift variant in the GJB2 gene (OMIM: 121011). Pathogenic variants in this gene have been associated with autosomal recessive hearing loss 1A. This variant introduces a premature termination codon in exon 2 out of 2 and is expected to result in loss of function, which is a known disease mechanism for GJB2 in this disorder (PMID: 10983956) (PVS1). This variant has been identified in the homozygous or compound heterozygous state in multiple individuals reported in the published literature (PMID: 10633133, 10983956), (PM3). It has a 0.6663% maximum allele frequency in control populations (gnomAD) (BS1). Other reputable laboratories have reported this variant as pathogenic or likely pathogenic, and this classification has been validated by an expert panel in ClinVar (PP5). Based on the evidence, this variant is classified as pathogenic for autosomal recessive hearing loss 1A.

Dasa
Classification: Pathogenic. Last evaluated: 2026-01-09. Review status: criteria provided, single submitter. Criteria: DASA Assertion Criteria. Collection method: clinical testing. Allele origin: germline. Not counted in ClinVar's aggregate classification.
Comment: NM_004004.6(GJB2):c.235del (p.Leu79CysfsTer3) introduces a premature termination codon predicted to result in loss of normal protein function. Loss-of-function is an established mechanism of disease for this gene. Functional evidence supports a deleterious effect on the gene or gene product (PMID: 12352684; PMID: 20095872; PMID: 19929408; PMID: 35212567; PMID: 10983956). This variant has been recurrently observed in individuals with related phenotype (PMID: 12352684; PMID: 20095872; PMID: 19929408; PMID: 35212567; PMID: 10983956). Segregation evidence has been reported in affected families. The variant is present at low frequency in population datasets. Based on the available data, this variant is classified as pathogenic.

Natera, Inc.
Classification: Pathogenic for Autosomal recessive deafness type 1A. Last evaluated: 2025-11-24. Review status: criteria provided, single submitter. Criteria: Natera Variant Classification Schema (03/2026). Collection method: clinical testing. Allele origin: germline. Not counted in ClinVar's aggregate classification.
Comment: The c.235delC variant in GJB2 is a frameshift variant predicted to shift the reading frame beginning at codon 79 and leads to a stop codon 3 codons downstream. This variant is expected to result in nonsense mediated decay, truncation, or a dysfunctional protein product. This variant is rare in the general population with a frequency below the threshold expected for the associated phenotype(s). This variant has been observed in one or more individuals affected with the associated recessive disease, as either homozygous or compound heterozygous with a second variant (PMID: 10983956, 10633133). Additionally, this variant has been observed to segregate in affected family members (PMID: 10983956, 10633133). Given the available evidence, this variant is classified as Pathogenic.

Division of Genetic & Genomic Pathology, Hong Kong Children's Hospital
Classification: Pathogenic for GJB2-related disorder. Last evaluated: 2025-09-30. Review status: criteria provided, single submitter. Criteria: ACMG Guidelines, 2015. Collection method: clinical testing. Allele origin: germline. Affected: yes. Not counted in ClinVar's aggregate classification.
Comment: The GJB2 variants c.235del p.(Leu79Cysfs*3) have been classified as pathogenic for autosomal recessive nonsyndromic genetic hearing loss by the ClinGen Hearing Loss Variant Curation Expert Panel (ClinVar Accession: VCV000017014.67). This variant is in trans with another missense pathogenic variant.

3billion
Classification: Pathogenic for Autosomal recessive nonsyndromic hearing loss 1A. Last evaluated: 2025-09-15. Review status: criteria provided, single submitter. Criteria: ACMG Guidelines, 2015. Collection method: clinical testing. Allele origin: germline. Affected: yes. Not counted in ClinVar's aggregate classification.
Comment: The variant is observed at an extremely low frequency in the gnomAD v4.1.0 dataset (total allele frequency: 0.019%). Predicted Consequence/Location: Frameshift: predicted to result in a loss or disruption of normal protein function through protein truncation. Multiple pathogenic variants are reported in the predicted truncated region. Functional studies provide moderate evidence of the variant having a damaging effect on the gene or gene product (PMID: 12352684). The variant has been reported to be in trans with a pathogenic variant as either compound heterozygous or homozygous in at least 4 similarly affected unrelated individuals (PMID: 10633133, 10983956). The variant has been reported multiple times as an established pathogenic variant (ClinVar ID: VCV000017014 /PMID: 10501520 /3billion dataset). Therefore, this variant is classified as Pathogenic according to the recommendation of ACMG/AMP guideline.

Athena Diagnostics
Classification: Pathogenic. Last evaluated: 2025-09-10. Review status: criteria provided, single submitter. Criteria: Athena Diagnostics Criteria. Collection method: clinical testing. Allele origin: unknown. Not counted in ClinVar's aggregate classification.
Comment: This variant is expected to result in the loss of a functional protein. This variant is one of the most common variants associated with autosomal recessive form of nonsyndromic hearing loss (PMID: 17505205, 19043807, 15700112), therefore the frequency of this variant in the general population is consistent with pathogenicity (Genome Aggregation Database (gnomAD), Cambridge, MA (URL)). This variant segregates with disease in multiple families. Assessment of experimental evidence suggests this variant results in abnormal protein function. (PMID: 12352684, 12505163, 20095872) In multiple individuals, this variant has been seen with a single recessive pathogenic variant in the same gene, suggesting this variant may also be pathogenic.

Laboratory of Genetics, Children's Clinical University Hospital Latvia
Classification: Pathogenic. Last evaluated: 2025-02-16. Review status: criteria provided, single submitter. Criteria: ACMG Guidelines, 2015. Collection method: clinical testing. Allele origin: germline. Affected: yes. Not counted in ClinVar's aggregate classification.

ARUP Laboratories, Molecular Genetics and Genomics, ARUP Laboratories
Classification: Pathogenic. Last evaluated: 2024-12-09. Review status: criteria provided, single submitter. Criteria: ARUP Molecular Germline Variant Investigation Process 2024. Collection method: clinical testing. Allele origin: germline. Not counted in ClinVar's aggregate classification.
Comment: The GJB2 c.235del; p.Leu79CysfsTer3 variant (rs80338943) is a well-studied variant associated with autosomal recessive nonsyndromic hearing loss (Choung 2002, Du 2016, Fuse 1999, Han 2008, Zhang 2010). This variant is reported in ClinVar (Variation ID: 17014) and is found in the general population with an overall allele frequency of 0.047% (134/282,792 alleles) in the Genome Aggregation Database. This variant causes a frameshift by deleting a single nucleotide, so it is predicted to result in a truncated protein or mRNA subject to nonsense-mediated decay. Based on available information, this variant is considered to be pathogenic. References: Choung YH et al. Functional study of GJB2 in hereditary hearing loss. Laryngoscope. 2002 Sep;112(9):1667-71. PMID: 12352684. Du Y et al. Analysis of p.V37I compound heterozygous mutations in the GJB2 gene in Chinese infants and young children. Biosci Trends. 2016 Jul 19;10(3):220-6. PMID: 27350192. Fuse Y et al. Three novel connexin26 gene mutations in autosomal recessive non-syndromic deafness. Neuroreport. 1999 Jun 23;10(9):1853-7. PMID: 10501520. Han SH et al. Carrier frequency of GJB2 (connexin-26) mutations causing inherited deafness in the Korean population. J Hum Genet. 2008;53(11-12):1022-8. PMID: 19043807. Zhang Y et al. Three common GJB2 mutations causing nonsyndromic hearing loss in Chinese populations are retained in the endoplasmic reticulum. Acta Otolaryngol. 2010 Jul;130(7):799-803. PMID: 20095872.

Fulgent Genetics
Classification: Pathogenic for Mutilating keratoderma; Autosomal dominant keratitis-ichthyosis-hearing loss syndrome; Palmoplantar keratoderma-deafness syndrome; Knuckle pads, deafness AND leukonychia syndrome; Autosomal recessive nonsyndromic hearing loss 1A; Autosomal dominant nonsyndromic hearing loss 3A. Last evaluated: 2024-06-06. Review status: criteria provided, single submitter. Criteria: ACMG Guidelines, 2015. Collection method: clinical testing. Allele origin: germline. Not counted in ClinVar's aggregate classification.

Blueprint Genetics
Classification: Pathogenic for GJB2-related disorders. Last evaluated: 2024-03-27. Review status: criteria provided, single submitter. Criteria: ACMG Guidelines, 2015. Collection method: clinical testing. Allele origin: germline. Affected: yes. Observed: 5 variant alleles. Not counted in ClinVar's aggregate classification.

Department of Pathology and Laboratory Medicine, Sinai Health System
Classification: Pathogenic for Knuckle pads, deafness AND leukonychia syndrome; Mutilating keratoderma; Palmoplantar keratoderma-deafness syndrome. Last evaluated: 2023-09-29. Review status: criteria provided, single submitter. Criteria: ACMG Guidelines, 2015. Collection method: research. Allele origin: germline. Not counted in ClinVar's aggregate classification.

Integrating Genomics into Medicine, Frazer Institute, University Of Queensland
Classification: Pathogenic for Autosomal recessive nonsyndromic hearing loss 1A. Last evaluated: 2023-06-02. Review status: criteria provided, single submitter. Criteria: ACMG Guidelines, 2015. Collection method: clinical testing. Allele origin: germline. Affected: yes. Not counted in ClinVar's aggregate classification.

Revvity Omics, Revvity
Classification: Pathogenic. Last evaluated: 2023-04-10. Review status: criteria provided, single submitter. Criteria: ACMG Guidelines, 2015. Collection method: clinical testing. Allele origin: germline. Not counted in ClinVar's aggregate classification.

Dubai Health Genomic Medicine Center, Dubai Health
Classification: Pathogenic. Last evaluated: 2022-12-17. Review status: criteria provided, single submitter. Criteria: ACMG Guidelines, 2015. Collection method: clinical testing. Allele origin: germline. Affected: yes. Not counted in ClinVar's aggregate classification.